The following is an entry in ClinVar:

NM_002156.5(HSPD1):c.429T>C (p.Gly143=)

Gene: HSPD1 (heat shock protein family D (Hsp60) member 1; minus strand). Cytogenetic location: 2q33.1.
Variant type: single nucleotide variant.
Coding change: c.429T>C on transcript NM_002156.5 (MANE Select); coding-DNA position 429, T replaced by C.
Protein change: p.Gly143=; no amino-acid change (glycine 143 retained).
Molecular consequence: synonymous variant.
Genome position (GRCh38, 1-based): chr2:197,495,375, A>G on the plus strand (T>C on the coding strand, the complement: HSPD1 is on the minus strand). VCF-style: chr2-197495375-A-G. GRCh37 (hg19) VCF-style: chr2-198360099-A-G.
Other names: c.429T>C, p.Gly143= (NM_199440.2).
Identifiers: ClinVar variation 333311 (VCV000333311.8), dbSNP rs886055389, ClinGen allele CA10613640.

ClinVar aggregate classification (germline): Conflicting classifications of pathogenicity. Review status: criteria provided, conflicting classifications (1 of 4 stars). 3 submissions from 3 submitters: Uncertain significance (2); Likely benign (1). Last evaluated 2026-07-01.

Conditions:
Spastic paraplegia. Identifiers: MedGen C0037772, HP:0001258.
Hereditary spastic paraplegia 13 (SPG13). Also called: Spastic paraplegia 13; SPASTIC PARAPLEGIA 13, AUTOSOMAL DOMINANT. Identifiers: Orphanet 100994, MedGen C1854467, MONDO:0011532, OMIM 605280.

Allele frequency attached by ClinVar (database versions not stated): gnomAD 0.00001; gnomAD exomes 0.00001 and 0.00002; TOPMed 0.00002.
gnomAD v4.1: 26 of 1,583,836 alleles (0.0016%); highest among the groups gnomAD compares: Non-Finnish European, 0.0019%; no homozygotes.

Submissions (3):

CeGaT Center for Human Genetics Tuebingen
Classification: Likely benign. Last evaluated: 2026-07-01. Review status: criteria provided, single submitter. Criteria: CeGaT Center For Human Genetics Tuebingen Variant Classification Criteria Version 2. Collection method: clinical testing. Allele origin: germline. Affected: yes. Observed: 1 variant allele.
Comment: HSPD1: BP4, BP7

Labcorp Genetics (formerly Invitae), Labcorp
Classification: Uncertain significance for Spastic paraplegia. Last evaluated: 2025-02-11. Review status: criteria provided, single submitter. Criteria: Invitae Variant Classification Sherloc (09022015). Collection method: clinical testing. Allele origin: germline.
Comment: This sequence change affects codon 143 of the HSPD1 mRNA. It is a 'silent' change, meaning that it does not change the encoded amino acid sequence of the HSPD1 protein. This variant is present in population databases (no rsID available, gnomAD 0.002%). This variant has not been reported in the literature in individuals affected with HSPD1-related conditions. ClinVar contains an entry for this variant (Variation ID: 333311). Algorithms developed to predict the effect of sequence changes on RNA splicing suggest that this variant may disrupt the consensus splice site. In summary, the available evidence is currently insufficient to determine the role of this variant in disease. Therefore, it has been classified as a Variant of Uncertain Significance.

Illumina Laboratory Services, Illumina
Classification: Uncertain significance for Hereditary spastic paraplegia 13. Last evaluated: 2018-01-13. Review status: criteria provided, single submitter. Criteria: ICSL Variant Classification Criteria 13 December 2019. Collection method: clinical testing. Allele origin: germline.